The following is an entry in ClinVar:

NM_001099270.4(ZBTB34):c.490_491del (p.Pro164fs)

Gene: ZBTB34 (zinc finger and BTB domain containing 34; plus strand). Cytogenetic location: 9q33.3.
Variant type: Deletion.
Coding change: c.490_491del on transcript NM_001099270.4 (MANE Select); coding-DNA positions 490 to 491, 2 bases deleted (CC; older notation c.490_491delCC).
Protein change: p.Pro164fs; shifts the reading frame from proline 164.
Molecular consequence: frameshift variant.
Genome position (GRCh38, 1-based): chr9:126,879,889-126,879,890, CC deleted; deleting any 2 consecutive bases within chr9:126,879,888-126,879,890 gives the same sequence; the c. name uses the placement nearest the transcript's 3' end. VCF-style (leftmost placement, unchanged base first): chr9-126879887-ACC-A. GRCh37 (hg19) VCF-style: chr9-129642166-ACC-A.
Other names: NM_001395198.1:c.520_521del; c.520_521del, p.Pro174fs (NM_001395198.1); short protein forms P164fs, P174fs.
Identifiers: ClinVar variation 3252060 (VCV003252060.1), dbSNP rs2538735404.

ClinVar aggregate classification (germline): Uncertain significance (1 of 4 stars; one submission).

Conditions:
Neurodevelopmental disorder. Identifiers: MedGen C1535926, MeSH D065886, MONDO:0700092.

Submission:

Broad Center for Mendelian Genomics, Broad Institute of MIT and Harvard
Classification: Uncertain significance for Neurodevelopmental disorder. Last evaluated: 2024-06-19. Review status: criteria provided, single submitter. Criteria: ACMG Guidelines, 2015. Collection method: curation. Allele origin: germline. Inheritance: Autosomal dominant inheritance. Study: GREGoR Consortium.
Comment: While this gene is still lacking sufficient evidence to establish a gene-disease relationship, we believe this is a possible novel gene candidate for neurodevelopmental disorders. Given the limited information about this gene-disease relationship, the significance of the p.Pro164SerfsTer19 variant is uncertain. If you have any additional information about functional evidence or other individuals with this phenotype that also have variants in ZBTB34 we encourage you to reach out to us.